The following is an entry in ClinVar:

ClinVar aggregate classification (germline): Benign (1 of 4 stars; one submission).

Allele frequency attached by ClinVar (database versions not stated): ESP Exome Variant Server 0.02291; gnomAD 0.03242 and 0.03546; TOPMed 0.03628; gnomAD exomes 0.03890 and 0.05268; ExAC 0.05061; 1000 Genomes Project 30x 0.06106; 1000 Genomes Project 0.06490.
gnomAD v4.1: 62,417 of 1,609,794 alleles (3.9%); highest among the groups gnomAD compares: East Asian, 15%; 1,788 homozygotes.

Submission:

GeneDx
Classification: Benign. Last evaluated: 2019-02-05. Review status: criteria provided, single submitter. Criteria: GeneDx Variant Classification Process June 2021. Collection method: clinical testing. Allele origin: germline. Affected: yes.
Comment: This variant is associated with the following publications: (PMID: 16574953)

NM_004440.4(EPHA7):c.832C>T (p.Pro278Ser)

Gene: EPHA7 (EPH receptor A7; minus strand). Cytogenetic location: 6q16.1.
Variant type: single nucleotide variant.
Coding change: c.832C>T on transcript NM_004440.4 (MANE Select); coding-DNA position 832, C replaced by T.
Protein change: p.Pro278Ser; replaces proline 278 with serine.
Molecular consequence: missense variant. On other transcripts: non-coding transcript variant (1).
Genome position (GRCh38, 1-based): chr6:93,410,501, G>A on the plus strand (C>T on the coding strand, the complement: EPHA7 is on the minus strand). VCF-style: chr6-93410501-G-A. GRCh37 (hg19) VCF-style: chr6-94120219-G-A.
Other names: c.832C>T, p.Pro278Ser (NM_001288629.2, NM_001376465.1, NM_001376466.1 and 3 more transcripts); c.832C>T, p.Arg278Cys (NM_001288630.2); c.604C>T, p.Pro202Ser (NM_001376470.1, NM_001376471.1); short protein forms P202S, P278S, R278C.
Identifiers: ClinVar variation 1239265 (VCV001239265.3), dbSNP rs2278106, ClinGen allele CA3929358.